The following is an entry in ClinVar:

NM_000179.3(MSH6):c.996A>T (p.Glu332Asp)

Gene: MSH6 (mutS homolog 6; plus strand). Cytogenetic location: 2p16.3.
Variant type: single nucleotide variant.
Coding change: c.996A>T on transcript NM_000179.3 (MANE Select); coding-DNA position 996, A replaced by T.
Protein change: p.Glu332Asp; replaces glutamic acid 332 with aspartic acid.
Molecular consequence: missense variant. On other transcripts: non-coding transcript variant (4), intron variant (1).
Genome position (GRCh38, 1-based): chr2:47,798,979, A>T. VCF-style: chr2-47798979-A-T. GRCh37 (hg19) VCF-style: chr2-48026118-A-T.
Other names: c.699A>T, p.Glu233Asp (NM_001406797.1, NM_001406801.1, NM_001406805.1 and 10 more transcripts); c.996A>T, p.Glu332Asp (NM_001406798.1, NM_001406800.1, NM_001406803.1 and 4 more transcripts); c.471A>T, p.Glu157Asp (NM_001406799.1, NM_001406806.1, NM_001406807.1); c.1092A>T, p.Glu364Asp (NM_001406802.1, NM_001406795.1); c.918A>T, p.Glu306Asp (NM_001406804.1); c.90A>T, p.Glu30Asp (NM_001406823.1, NM_001406811.1, NM_001406812.1 and 6 more transcripts); c.828A>T, p.Glu276Asp (NM_001406826.1); c.1002A>T, p.Glu334Asp (NM_001406813.1); and 2 more; short protein forms E306D, E334D, E157D, E202D, E276D, E30D, E332D, E233D.
Identifiers: ClinVar variation 5024893 (VCV005024893.1).

ClinVar aggregate classification (germline): Uncertain significance (1 of 4 stars; one submission).

Conditions:
Hereditary cancer-predisposing syndrome. Also called: Neoplastic Syndromes, Hereditary; Tumor predisposition; Hereditary neoplastic syndrome; Hereditary Cancer Syndrome. Identifiers: Orphanet 140162, MedGen C0027672, MeSH D009386, MONDO:0015356.

Submission:

Ambry Genetics
Classification: Uncertain significance for Hereditary cancer-predisposing syndrome. Last evaluated: 2026-07-06. Review status: criteria provided, single submitter. Criteria: Ambry Variant Classification Scheme 2023. Collection method: clinical testing. Allele origin: germline.
Comment: The p.E332D variant (also known as c.996A>T), located in coding exon 4 of the MSH6 gene, results from an A to T substitution at nucleotide position 996. The glutamic acid at codon 332 is replaced by aspartic acid, an amino acid with highly similar properties. This amino acid position is conserved. In addition, this alteration is predicted to be tolerated by in silico analysis. Based on the available evidence, the clinical significance of this variant remains unclear.